The following is an entry in ClinVar:

NM_017671.5(FERMT1):c.1795A>C (p.Ile599Leu)

Gene: FERMT1 (FERM domain containing kindlin 1; minus strand). Cytogenetic location: 20p12.3.
Variant type: single nucleotide variant.
Coding change: c.1795A>C on transcript NM_017671.5 (MANE Select); coding-DNA position 1795, A replaced by C.
Protein change: p.Ile599Leu; replaces isoleucine 599 with leucine.
Molecular consequence: missense variant.
Genome position (GRCh38, 1-based): chr20:6,079,501, T>G on the plus strand (A>C on the coding strand, the complement: FERMT1 is on the minus strand). VCF-style: chr20-6079501-T-G. GRCh37 (hg19) VCF-style: chr20-6060148-T-G.
Other names: short protein forms I599L.
Identifiers: ClinVar variation 339208 (VCV000339208.9), dbSNP rs776020009, ClinGen allele CA9758031.
Genomic context (GRCh38, chr20:6,079,501, plus strand): 5'-GGGTTTCCCAGTTTACATTCCACTGTTTGATATTTGTGAATCTCCATGTTGTCACTGGAA[T>G]CCCGGTGGCTGCATCAATTTTAATCAACCTGTTATATGAAACTCCCAGAATGTCATCTTT-3'
Protein context (NP_060141.3, residues 589-609): RLIKIDAATG[Ile599Leu]PVTTWRFTNI

ClinVar aggregate classification (germline): Uncertain significance. Review status: criteria provided, multiple submitters, no conflicts (2 of 4 stars). 3 submissions from 3 submitters: Uncertain significance (3). Last evaluated 2025-08-22.

Conditions:
Kindler syndrome (KNDLRS). Also called: BULLOUS ACROKERATOTIC POIKILODERMA OF KINDLER AND WEARY; POIKILODERMA, CONGENITAL, WITH BULLAE, WEARY TYPE; POIKILODERMA, HEREDITARY ACROKERATOTIC; Hereditary acrokeratotic poikiloderma of Weary; Poikiloderma of Kindler; Congenital bullous poikiloderma. Identifiers: Orphanet 2908, Orphanet 306539, MedGen C0406557, MONDO:0008260, OMIM 173650.
Inborn genetic diseases. Identifiers: MedGen C0950123, MeSH D030342.

Allele frequency attached by ClinVar (database versions not stated): ExAC 0.00002; gnomAD exomes 0.00002; TOPMed 0.00003; gnomAD 0.00004 and 0.00005.
gnomAD v4.1: 40 of 1,613,770 alleles (0.0025%); highest among the groups gnomAD compares: Non-Finnish European, 0.0033%; no homozygotes.

Submissions (3):

Ambry Genetics
Classification: Uncertain significance for Inborn genetic diseases. Last evaluated: 2025-08-22. Review status: criteria provided, single submitter. Criteria: Ambry Variant Classification Scheme 2023. Collection method: clinical testing. Allele origin: germline.

Labcorp Genetics (formerly Invitae), Labcorp
Classification: Uncertain significance. Last evaluated: 2022-07-19. Review status: criteria provided, single submitter. Criteria: Invitae Variant Classification Sherloc (09022015). Collection method: clinical testing. Allele origin: germline.
Comment: This sequence change replaces isoleucine, which is neutral and non-polar, with leucine, which is neutral and non-polar, at codon 599 of the FERMT1 protein (p.Ile599Leu). This variant is present in population databases (rs776020009, gnomAD 0.003%). This variant has not been reported in the literature in individuals affected with FERMT1-related conditions. ClinVar contains an entry for this variant (Variation ID: 339208). Algorithms developed to predict the effect of missense changes on protein structure and function (SIFT, PolyPhen-2, Align-GVGD) all suggest that this variant is likely to be tolerated. In summary, the available evidence is currently insufficient to determine the role of this variant in disease. Therefore, it has been classified as a Variant of Uncertain Significance.

Illumina Laboratory Services, Illumina
Classification: Uncertain significance for Kindler syndrome. Last evaluated: 2018-01-12. Review status: criteria provided, single submitter. Criteria: ICSL Variant Classification Criteria 13 December 2019. Collection method: clinical testing. Allele origin: germline.